The following is an entry in ClinVar:

NM_002382.5(MAX):c.365T>C (p.Leu122Pro)

Gene: MAX (MYC associated transcriptional regulator X; minus strand). Cytogenetic location: 14q23.3.
Variant type: single nucleotide variant.
Coding change: c.365T>C on transcript NM_002382.5 (MANE Select); coding-DNA position 365, T replaced by C.
Protein change: p.Leu122Pro; replaces leucine 122 with proline.
Molecular consequence: missense variant. On other transcripts: 3 prime UTR variant (1), intron variant (2).
Genome position (GRCh38, 1-based): chr14:65,076,594, A>G on the plus strand (T>C on the coding strand, the complement: MAX is on the minus strand). VCF-style: chr14-65076594-A-G. GRCh37 (hg19) VCF-style: chr14-65543312-A-G.
Other names: c.176T>C, p.Leu59Pro (NM_001320415.2, NM_001407105.1, NM_001407106.1 and 1 more transcripts); c.365T>C, p.Leu122Pro (NM_001407094.1); c.338T>C, p.Leu113Pro (NM_001407095.1, NM_145112.3); c.*138T>C (NM_001407096.1, NM_001407099.1, NM_001407102.1 and 2 more transcripts); c.*154T>C (NM_001407097.1, NM_001407100.1, NM_001407101.1 and 4 more transcripts); c.257T>C, p.Leu86Pro (NM_001407098.1); c.164T>C, p.Leu55Pro (NM_001407111.1, NM_001407112.1); c.144+17114T>C (NM_001271069.2); and 1 more; short protein forms L113P, L122P, L59P, L86P, L55P.
Identifiers: ClinVar variation 1733677 (VCV001733677.2), dbSNP rs1566598270, ClinGen allele CA390031776.

ClinVar aggregate classification (germline): Uncertain significance (1 of 4 stars; one submission).

Conditions:
Hereditary cancer-predisposing syndrome. Also called: Neoplastic Syndromes, Hereditary; Tumor predisposition; Hereditary Cancer Syndrome; Hereditary neoplastic syndrome. Identifiers: Orphanet 140162, MedGen C0027672, MeSH D009386, MONDO:0015356.

Submission:

Ambry Genetics
Classification: Uncertain significance for Hereditary cancer-predisposing syndrome. Last evaluated: 2022-07-15. Review status: criteria provided, single submitter. Criteria: Ambry Variant Classification Scheme 2023. Collection method: clinical testing. Allele origin: germline.
Comment: The p.L122P variant (also known as c.365T>C), located in coding exon 5 of the MAX gene, results from a T to C substitution at nucleotide position 365. The leucine at codon 122 is replaced by proline, an amino acid with similar properties. This amino acid position is conserved. In addition, this alteration is predicted to be deleterious by in silico analysis. Since supporting evidence is limited at this time, the clinical significance of this alteration remains unclear.